The following is an entry in ClinVar:

NM_022089.4(ATP13A2):c.220C>T (p.Arg74Trp)

Gene: ATP13A2 (ATPase cation transporting 13A2; minus strand). Cytogenetic location: 1p36.13.
Variant type: single nucleotide variant.
Coding change: c.220C>T on transcript NM_022089.4 (MANE Select); coding-DNA position 220, C replaced by T.
Protein change: p.Arg74Trp; replaces arginine 74 with tryptophan.
Molecular consequence: missense variant.
Genome position (GRCh38, 1-based): chr1:17,005,442, G>A on the plus strand (C>T on the coding strand, the complement: ATP13A2 is on the minus strand). VCF-style: chr1-17005442-G-A. GRCh37 (hg19) VCF-style: chr1-17331937-G-A.
Other names: c.220C>T, p.Arg74Trp (NM_001141973.3, NM_001141974.3); short protein forms R74W.
Identifiers: ClinVar variation 585468 (VCV000585468.10), dbSNP rs753087058, ClinGen allele CA637728.
Genomic context (GRCh38, chr1:17,005,442, plus strand): 5'-CTCTTATTTCGATAACGAGTGTTTCGGCGTGGGCCAGGTTGCAGGGCCGGAGCCGCAGCC[G>A]CACCCCCCACAGGGGCTTCCAACGGAAGAGCAGCAAAGGGATCCCAGCCATCATCCAGAC-3'
Protein context (NP_071372.1, residues 64-84): LFRWKPLWGV[Arg74Trp]LRLRPCNLAH

ClinVar aggregate classification (germline): Uncertain significance. Review status: criteria provided, multiple submitters, no conflicts (2 of 4 stars). 3 submissions from 3 submitters: Uncertain significance (3). Last evaluated 2021-10-12.

Conditions:
Kufor-Rakeb syndrome (KRS). Also called: PARKINSON DISEASE 9, AUTOSOMAL RECESSIVE, JUVENILE-ONSET. Identifiers: Orphanet 306674, Orphanet 314632, MedGen C1847640, MONDO:0011706, OMIM 606693.
Autosomal recessive spastic paraplegia type 78. Identifiers: Orphanet 513436, MedGen C5567893, MONDO:0014975, OMIM 617225.
Inborn genetic diseases. Identifiers: MedGen C0950123, MeSH D030342.

Allele frequency attached by ClinVar (database versions not stated): TOPMed below 0.00001; ExAC 0.00001; gnomAD exomes 0.00001 and 0.00002.
gnomAD v4.1: 8 of 1,613,886 alleles (0.0005%); highest among the groups gnomAD compares: Admixed American, 0.0033%; no homozygotes.

Submissions (3):

Labcorp Genetics (formerly Invitae), Labcorp
Classification: Uncertain significance for Kufor-Rakeb syndrome; Autosomal recessive spastic paraplegia type 78. Last evaluated: 2021-10-12. Review status: criteria provided, single submitter. Criteria: Invitae Variant Classification Sherloc (09022015). Collection method: clinical testing. Allele origin: germline.
Comment: Advanced modeling of protein sequence and biophysical properties (such as structural, functional, and spatial information, amino acid conservation, physicochemical variation, residue mobility, and thermodynamic stability) performed at Invitae indicates that this missense variant is not expected to disrupt ATP13A2 protein function. In summary, the available evidence is currently insufficient to determine the role of this variant in disease. Therefore, it has been classified as a Variant of Uncertain Significance. ClinVar contains an entry for this variant (Variation ID: 585468). This variant has not been reported in the literature in individuals affected with ATP13A2-related conditions. This variant is present in population databases (rs753087058, ExAC 0.002%). This sequence change replaces arginine with tryptophan at codon 74 of the ATP13A2 protein (p.Arg74Trp). The arginine residue is weakly conserved and there is a moderate physicochemical difference between arginine and tryptophan.

Ambry Genetics
Classification: Uncertain significance for Inborn genetic diseases. Last evaluated: 2018-11-21. Review status: criteria provided, single submitter. Criteria: Ambry Variant Classification Scheme 2023. Collection method: clinical testing. Allele origin: germline.
Comment: The p.R74W variant (also known as c.220C>T), located in coding exon 3 of the ATP13A2 gene, results from a C to T substitution at nucleotide position 220. The arginine at codon 74 is replaced by tryptophan, an amino acid with dissimilar properties. This amino acid position is well conserved in available vertebrate species. In addition, this alteration is predicted to be tolerated by in silico analysis. Since supporting evidence is limited at this time, the clinical significance of this alteration remains unclear.

Athena Diagnostics
Classification: Uncertain significance. Last evaluated: 2018-03-26. Review status: criteria provided, single submitter. Criteria: Athena Diagnostics Criteria. Collection method: clinical testing. Allele origin: germline.